The following is an entry in ClinVar:

ClinVar aggregate classification (germline): Uncertain significance (1 of 4 stars; one submission).

Conditions:
Renpenning syndrome. Also called: MENTAL RETARDATION, X-LINKED, SYNDROMIC 8; SUTHERLAND-HAAN X-LINKED MENTAL RETARDATION SYNDROME; MENTAL RETARDATION, X-LINKED 55; Mental retardation, X-linked Renpenning type; X-linked mental retardation with spastic diplegia; X-linked mental retardation syndromic 3. Identifiers: Orphanet 3242, MedGen C0796135, MONDO:0010653, OMIM 309500.

Submission:

Dasa
Classification: Uncertain significance for Renpenning syndrome. Last evaluated: 2025-12-29. Review status: criteria provided, single submitter. Criteria: DASA Assertion Criteria. Collection method: clinical testing. Allele origin: germline.
Comment: NM_001032382.2(PQBP1):c.509G>A (p.Arg170Gln) is a missense variant that results in the substitution of arginine with glutamine. This variant is rare in population databases. The currently available literature and clinical evidence are not sufficient to establish a definitive association between this variant and the reported condition. Therefore, this variant is classified as a variant of uncertain significance.

NM_001032382.2(PQBP1):c.509G>A (p.Arg170Gln)

Gene: PQBP1 (polyglutamine binding protein 1; plus strand). Cytogenetic location: Xp11.23.
Variant type: single nucleotide variant.
Coding change: c.509G>A on transcript NM_001032382.2 (MANE Select); coding-DNA position 509, G replaced by A.
Protein change: p.Arg170Gln; replaces arginine 170 with glutamine.
Molecular consequence: missense variant. On other transcripts: intron variant (2).
Genome position (GRCh38, 1-based): chrX:48,902,449, G>A. VCF-style: chrX-48902449-G-A. GRCh37 (hg19) VCF-style: chrX-48759726-G-A.
Other names: c.509G>A, p.Arg170Gln (NM_001032381.2, NM_001032383.2, NM_001032384.1 and 2 more transcripts); c.485G>A, p.Arg162Gln (NM_001167990.2); c.209G>A, p.Arg70Gln (NM_001167992.1); c.293-283G>A (NM_144495.3, NM_001437502.1); short protein forms R162Q, R170Q, R70Q.
Identifiers: ClinVar variation 4882319 (VCV004882319.2).